The following is an entry in ClinVar:

NM_003482.4(KMT2D):c.437C>A (p.Ser146Ter)

Gene: KMT2D (lysine methyltransferase 2D; minus strand). Cytogenetic location: 12q13.12.
Variant type: single nucleotide variant.
Coding change: c.437C>A on transcript NM_003482.4 (MANE Select); coding-DNA position 437, C replaced by A.
Protein change: p.Ser146Ter; replaces serine 146 with a stop codon.
Molecular consequence: nonsense.
Genome position (GRCh38, 1-based): chr12:49,054,380, G>T on the plus strand (C>A on the coding strand, the complement: KMT2D is on the minus strand). VCF-style: chr12-49054380-G-T. GRCh37 (hg19) VCF-style: chr12-49448163-G-T.
Other names: short protein forms S146*.
Identifiers: ClinVar variation 1806289 (VCV001806289.1), dbSNP rs1233341881, ClinGen allele CA384687159.

ClinVar aggregate classification (germline): Pathogenic (1 of 4 stars; one submission).

Conditions:
Kabuki syndrome 1 (KABUK1). Also called: KMT2D-Related Kabuki Syndrome. Identifiers: Orphanet 2322, MedGen CN030661, MONDO:0007843, OMIM 147920.

Submission:

Victorian Clinical Genetics Services, Murdoch Childrens Research Institute
Classification: Pathogenic for Kabuki syndrome 1. Last evaluated: 2020-05-25. Review status: criteria provided, single submitter. Criteria: ACMG Guidelines, 2015. Collection method: clinical testing. Allele origin: germline. Affected: yes.
Comment: Based on the classification scheme VCGS_Germline_v1.1.1, this variant is classified as pathogenic. Following criteria are met: 0102 - Loss-of-function is a known mechanism of disease for this gene. (N) 0107 - This gene is known to be associated with autosomal dominant disease. (N) 0201 - Variant is predicted to cause nonsense-mediated decay (NMD) and loss of protein. (P) 0251 - Variant is heterozygous. (N) 0301 - Variant is absent from gnomAD. (P) 0701 – Many comparable variants also predicted to cause NMD have very strong previous evidence for pathogenicity (Decipher, PMID: 31727177). (P) 0807 - Variant has not previously been reported in a clinical context. (N) 0905 - No segregation evidence has been identified for this variant. (N) 1007 - No published functional evidence has been identified for this variant. (P) Legend: (P) - Pathogenic, (N) - Neutral, (B) - Benign

Literature cited by the submitters: PubMed 31727177.